The following is an entry in ClinVar:

NM_012154.5(AGO2):c.402G>C (p.Trp134Cys)

Gene: AGO2 (argonaute RISC catalytic component 2; minus strand). Cytogenetic location: 8q24.3.
Variant type: single nucleotide variant.
Coding change: c.402G>C on transcript NM_012154.5 (MANE Select); coding-DNA position 402, G replaced by C.
Protein change: p.Trp134Cys; replaces tryptophan 134 with cysteine.
Molecular consequence: missense variant.
Genome position (GRCh38, 1-based): chr8:140,562,569, C>G on the plus strand (G>C on the coding strand, the complement: AGO2 is on the minus strand). VCF-style: chr8-140562569-C-G. GRCh37 (hg19) VCF-style: chr8-141572668-C-G.
Other names: c.402G>C, p.Trp134Cys (NM_001164623.3); short protein forms W134C.
Identifiers: ClinVar variation 2580019 (VCV002580019.1), dbSNP rs2549628087, ClinGen allele CA372324779.

ClinVar aggregate classification (germline): Uncertain significance (1 of 4 stars; one submission).

Submission:

GeneDx
Classification: Uncertain significance. Last evaluated: 2023-03-13. Review status: criteria provided, single submitter. Criteria: GeneDx Variant Classification Process June 2021. Collection method: clinical testing. Allele origin: germline. Affected: yes.
Comment: Not observed at significant frequency in large population cohorts (gnomAD); In silico analysis supports that this missense variant has a deleterious effect on protein structure/function; Has not been previously published as pathogenic or benign to our knowledge